The following is an entry in ClinVar:

NM_000722.4(CACNA2D1):c.3016G>A (p.Val1006Ile)

Gene: CACNA2D1 (calcium voltage-gated channel auxiliary subunit alpha2delta 1; minus strand). Cytogenetic location: 7q21.11.
Variant type: single nucleotide variant.
Coding change: c.3016G>A on transcript NM_000722.4 (MANE Select); coding-DNA position 3016, G replaced by A.
Protein change: p.Val1006Ile; replaces valine 1006 with isoleucine.
Molecular consequence: missense variant.
Genome position (GRCh38, 1-based): chr7:81,959,780, C>T on the plus strand (G>A on the coding strand, the complement: CACNA2D1 is on the minus strand). VCF-style: chr7-81959780-C-T. GRCh37 (hg19) VCF-style: chr7-81589096-C-T.
Other names: c.3052G>A, p.Val1018Ile (NM_001366867.1); short protein forms V1018I, V1006I.
Identifiers: ClinVar variation 1958393 (VCV001958393.8), dbSNP rs770950993, ClinGen allele CA4317415.

ClinVar aggregate classification (germline): Conflicting classifications of pathogenicity. Review status: criteria provided, conflicting classifications (1 of 4 stars). 2 submissions from 2 submitters: Uncertain significance (1); Likely benign (1). Last evaluated 2025-02-27.

Conditions:
Cardiovascular phenotype. Identifiers: MedGen CN230736.
Brugada syndrome. Also called: Sudden unexplained nocturnal death syndrome; Sudden Unexplained Death Syndrome; Sudden Unexplained Nocturnal Death Syndrome (SUNDS); Sudden unexpected nocturnal death syndrome. Identifiers: Orphanet 130, MedGen C1142166, MONDO:0015263.

Allele frequency attached by ClinVar (database versions not stated): gnomAD 0.00001; gnomAD exomes 0.00001; TOPMed 0.00003; ExAC 0.00004.
gnomAD v4.1: 12 of 1,612,516 alleles (0.00074%); highest among the groups gnomAD compares: East Asian, 0.027%; no homozygotes.

Submissions (2):

Ambry Genetics
Classification: Likely benign for Cardiovascular phenotype. Last evaluated: 2025-02-27. Review status: criteria provided, single submitter. Criteria: Ambry Variant Classification Scheme 2023. Collection method: clinical testing. Allele origin: germline.

Labcorp Genetics (formerly Invitae), Labcorp
Classification: Uncertain significance for Brugada syndrome. Last evaluated: 2024-08-31. Review status: criteria provided, single submitter. Criteria: Invitae Variant Classification Sherloc (09022015). Collection method: clinical testing. Allele origin: germline.
Comment: This sequence change replaces valine, which is neutral and non-polar, with isoleucine, which is neutral and non-polar, at codon 1006 of the CACNA2D1 protein (p.Val1006Ile). This variant is present in population databases (rs770950993, gnomAD 0.08%), and has an allele count higher than expected for a pathogenic variant. This variant has not been reported in the literature in individuals affected with CACNA2D1-related conditions. ClinVar contains an entry for this variant (Variation ID: 1958393). An algorithm developed to predict the effect of missense changes on protein structure and function (PolyPhen-2) suggests that this variant is likely to be tolerated. In summary, the available evidence is currently insufficient to determine the role of this variant in disease. Therefore, it has been classified as a Variant of Uncertain Significance.